The following is an entry in ClinVar:

NM_000098.3(CPT2):c.1798G>A (p.Gly600Arg)

Gene: CPT2 (carnitine palmitoyltransferase 2; plus strand). Cytogenetic location: 1p32.3.
Variant type: single nucleotide variant.
Coding change: c.1798G>A on transcript NM_000098.3 (MANE Select); coding-DNA position 1798, G replaced by A.
Protein change: p.Gly600Arg; replaces glycine 600 with arginine.
Molecular consequence: missense variant.
Genome position (GRCh38, 1-based): chr1:53,213,416, G>A. VCF-style: chr1-53213416-G-A. GRCh37 (hg19) VCF-style: chr1-53679088-G-A.
Other names: c.1729G>A, p.Gly577Arg (NM_001330589.2); short protein forms G600R, G577R.
Identifiers: ClinVar variation 1455105 (VCV001455105.8), dbSNP rs1645443101, ClinGen allele CA340397675.
Genomic context (GRCh38, chr1:53,213,416, plus strand): 5'-GGGCAGATAAACCACAATGTCCTGTCCACGAGCACACTGAGCAGCCCAGCAGTGAACCTT[G>A]GGGGCTTTGCCCCTGTGGTCTCTGATGGCTTTGGTGTTGGGTATGCTGTTCATGACAACT-3'
Protein context (NP_000089.1, residues 590-610): STLSSPAVNL[Gly600Arg]GFAPVVSDGF

ClinVar aggregate classification (germline): Pathogenic (1 of 4 stars; one submission).

Conditions:
Carnitine palmitoyltransferase II deficiency. Also called: Carnitine Palmitoyltransferase 2 Deficiency. Identifiers: Orphanet 157, MedGen C0342790, MONDO:0015515.

Submission:

Labcorp Genetics (formerly Invitae), Labcorp
Classification: Pathogenic for Carnitine palmitoyltransferase II deficiency. Last evaluated: 2022-04-12. Review status: criteria provided, single submitter. Criteria: Invitae Variant Classification Sherloc (09022015). Collection method: clinical testing. Allele origin: germline.
Comment: This variant is not present in population databases (gnomAD no frequency). This missense change has been observed in individual(s) with carnitine palmitoyltransferase II deficiency (PMID: 12673791, 14605500). Advanced modeling of protein sequence and biophysical properties (such as structural, functional, and spatial information, amino acid conservation, physicochemical variation, residue mobility, and thermodynamic stability) performed at Invitae indicates that this missense variant is expected to disrupt CPT2 protein function. For these reasons, this variant has been classified as Pathogenic. This sequence change replaces glycine, which is neutral and non-polar, with arginine, which is basic and polar, at codon 600 of the CPT2 protein (p.Gly600Arg).

Literature cited by the submitters: PubMed 12673791; PubMed 14605500.